The following is an entry in ClinVar:

ClinVar aggregate classification (germline): Likely benign (1 of 4 stars; one submission).

Submission:

Mayo Clinic Laboratories, Mayo Clinic
Classification: Likely benign. Last evaluated: 2025-03-31. Review status: criteria provided, single submitter. Criteria: ACMG Guidelines, 2015. Collection method: clinical testing. Allele origin: germline. Observed: 1 variant allele.
Comment: BS1, BP4, BP7

NM_000060.4:c.-5G>T

Gene: BTD (biotinidase; plus strand).
Variant type: single nucleotide variant.
Other names: c.-5G>T (NM_000060.4).
Identifiers: ClinVar variation 4684680 (VCV004684680.1).